The following is an entry in ClinVar:

ClinVar aggregate classification (germline): Pathogenic (1 of 4 stars; one submission).

Conditions:
Hypophosphatasia. Also called: Phosphoethanol-aminuria. Identifiers: Orphanet 436, MedGen C0020630, MeSH D007014, MONDO:0018570.

gnomAD v4.1: 1 of 1,613,708 alleles (0.000062%); highest among the groups gnomAD compares: Non-Finnish European, 0.000085%; no homozygotes.

Submission:

Genomenon, Inc
Classification: Pathogenic for Hypophosphatasia. Last evaluated: 2025-08-29. Review status: criteria provided, single submitter. Criteria: Genomenon Sequence Variant Interpretation Standards. Collection method: curation. Allele origin: germline. Affected: yes.
Comment: ALPL c.473-2A>G is a canonical splice variant located in the acceptor splice region of intron 5. This variant has been observed in at least one proband affected with hypophosphatasia (PMID:39450343;30508915). It is absent or not present at a significant frequency in gnomAD. In conclusion, we classify ALPL c.473-2A>G as a pathogenic variant.

Literature cited by the submitters: PubMed 39450343; PubMed 30508915.

NM_000478.6(ALPL):c.473-2A>G

Gene: ALPL (alkaline phosphatase, biomineralization associated; plus strand). Cytogenetic location: 1p36.12.
Variant type: single nucleotide variant.
Coding change: c.473-2A>G on transcript NM_000478.6 (MANE Select); the canonical splice acceptor site of the intron before coding-DNA position 473, A replaced by G.
Molecular consequence: splice acceptor variant.
Genome position (GRCh38, 1-based): chr1:21,564,039, A>G. VCF-style: chr1-21564039-A-G. GRCh37 (hg19) VCF-style: chr1-21890532-A-G.
Other names: c.473-2A>G (NM_001369805.2, NM_001369804.2, NM_001369803.2); c.308-2A>G (NM_001127501.4); c.242-2A>G (NM_001177520.3).
Identifiers: ClinVar variation 4086813 (VCV004086813.1).